The following is an entry in ClinVar:

NM_020433.5(JPH2):c.1714C>T (p.Arg572Cys)

Gene: JPH2 (junctophilin 2; minus strand). Cytogenetic location: 20q13.12.
Variant type: single nucleotide variant.
Coding change: c.1714C>T on transcript NM_020433.5 (MANE Select); coding-DNA position 1714, C replaced by T.
Protein change: p.Arg572Cys; replaces arginine 572 with cysteine.
Molecular consequence: missense variant.
Genome position (GRCh38, 1-based): chr20:44,115,961, G>A on the plus strand (C>T on the coding strand, the complement: JPH2 is on the minus strand). VCF-style: chr20-44115961-G-A. GRCh37 (hg19) VCF-style: chr20-42744601-G-A.
Other names: short protein forms R572C.
Identifiers: ClinVar variation 450190 (VCV000450190.23), dbSNP rs377366285, ClinGen allele CA9868630.

ClinVar aggregate classification (germline): Uncertain significance. Review status: criteria provided, multiple submitters, no conflicts (2 of 4 stars). 7 submissions from 7 submitters: Uncertain significance (5). 2 of the submissions do not count toward it. Last evaluated 2026-08-28.

Conditions:
Cardiomyopathy, dilated, 2E. Identifiers: MedGen C5561970, MONDO:0030366, OMIM 619492.
Hypertrophic cardiomyopathy 17. Identifiers: MedGen C3151264, MONDO:0013474, OMIM 613873.
JPH2-related disorder. Also called: JPH2-related condition.
Cardiovascular phenotype. Identifiers: MedGen CN230736.
Hypertrophic cardiomyopathy. Also called: HYPERTROPHIC MYOCARDIOPATHY. Identifiers: Orphanet 217569, MedGen C0007194, MeSH D002312, MONDO:0005045, HP:0001639.

Allele frequency attached by ClinVar (database versions not stated): ExAC 0.00007; ESP Exome Variant Server 0.00009; 1000 Genomes Project 30x 0.00031; 1000 Genomes Project 0.00040; TOPMed 0.00004.
gnomAD v4.1: 67 of 1,572,328 alleles (0.0043%); highest among the groups gnomAD compares: Non-Finnish European, 0.0051%; no homozygotes.

Submissions (7):

PreventionGenetics, part of Exact Sciences
Classification: Uncertain significance for JPH2-related condition. Last evaluated: 2026-08-28. Review status: criteria provided, single submitter. Criteria: ACMG Guidelines, 2015. Collection method: clinical testing. Allele origin: germline.
Comment: The JPH2 c.1714C>T variant is predicted to result in the amino acid substitution p.Arg572Cys. This variant has been reported in an individual with cardiomyopathy (Sezginer Guler et al. 2024. PubMed ID: 40475167). This variant is reported in 0.012% of alleles in individuals of European (Non-Finnish) descent in gnomAD. At this time, the clinical significance of this variant is uncertain due to the absence of conclusive functional and genetic evidence.

Labcorp Genetics (formerly Invitae), Labcorp
Classification: Uncertain significance for Hypertrophic cardiomyopathy. Last evaluated: 2025-09-11. Review status: criteria provided, single submitter. Criteria: Invitae Variant Classification Sherloc (09022015). Collection method: clinical testing. Allele origin: germline.
Comment: This sequence change replaces arginine, which is basic and polar, with cysteine, which is neutral and slightly polar, at codon 572 of the JPH2 protein (p.Arg572Cys). The frequency data for this variant in the population databases is considered unreliable, as metrics indicate poor data quality at this position in the gnomAD database. This variant has not been reported in the literature in individuals affected with JPH2-related conditions. ClinVar contains an entry for this variant (Variation ID: 450190). An algorithm developed to predict the effect of missense changes on protein structure and function (PolyPhen-2) suggests that this variant is likely to be disruptive. In summary, the available evidence is currently insufficient to determine the role of this variant in disease. Therefore, it has been classified as a Variant of Uncertain Significance.

Ambry Genetics
Classification: Uncertain significance for Cardiovascular phenotype. Last evaluated: 2025-05-21. Review status: criteria provided, single submitter. Criteria: Ambry Variant Classification Scheme 2023. Collection method: clinical testing. Allele origin: germline.
Comment: The p.R572C variant (also known as c.1714C>T), located in coding exon 4 of the JPH2 gene, results from a C to T substitution at nucleotide position 1714. The arginine at codon 572 is replaced by cysteine, an amino acid with highly dissimilar properties. This amino acid position is highly conserved in available vertebrate species. In addition, this alteration is predicted to be tolerated by in silico analysis. Based on the available evidence, the clinical significance of this variant remains unclear.

GeneDx
Classification: Uncertain significance. Last evaluated: 2020-04-14. Review status: criteria provided, single submitter. Criteria: GeneDx Variant Classification Process June 2021. Collection method: clinical testing. Allele origin: germline. Affected: yes.
Comment: Has not been previously published as pathogenic or benign to our knowledge; In silico analysis supports that this missense variant has a deleterious effect on protein structure/function

Center for Genomics, Ann and Robert H. Lurie Children's Hospital of Chicago
Classification: Uncertain significance for Cardiomyopathy, dilated, 2E; Hypertrophic cardiomyopathy 17. Review status: criteria provided, single submitter. Criteria: ACMG Guidelines, 2015. Collection method: clinical testing. Allele origin: germline.
Comment: JPH2 NM_020433.4 exon 4 p.Arg572Cys (c.1714C>T): This variant has not been reported in the literature and is present in 0.01% (9/75564) of European alleles in the Genome Aggregation Database. This variant is present in ClinVar (Variation ID:450190). Evolutionary conservation and computational predictive tools suggest that this variant may impact the protein. In summary, data on this variant is insufficient for disease classification. Therefore, the clinical significance of this variant is uncertain.

Clinical Genetics, Academic Medical Center
Classification: Uncertain significance. Review status: no assertion criteria provided. Collection method: clinical testing. Allele origin: germline. Affected: yes. Study: VKGL Data-share Consensus. Not counted in ClinVar's aggregate classification.

Joint Genome Diagnostic Labs from Nijmegen and Maastricht, Radboudumc and MUMC+
Classification: Uncertain significance. Review status: no assertion criteria provided. Collection method: clinical testing. Allele origin: germline. Affected: yes. Study: VKGL Data-share Consensus. Not counted in ClinVar's aggregate classification.